The following is an entry in ClinVar:

ClinVar aggregate classification (germline): Uncertain significance. Review status: criteria provided, multiple submitters, no conflicts (2 of 4 stars). 2 submissions from 2 submitters: Uncertain significance (2). Last evaluated 2023-12-22.

Conditions:
Inborn genetic diseases. Identifiers: MedGen C0950123, MeSH D030342.

Allele frequency attached by ClinVar (database versions not stated): gnomAD exomes below 0.00001; TOPMed below 0.00001.
gnomAD v4.1: 2 of 1,612,262 alleles (0.00012%); highest among the groups gnomAD compares: Non-Finnish European, 0.00017%; no homozygotes.

Submissions (2):

Ambry Genetics
Classification: Uncertain significance for Inborn genetic diseases. Last evaluated: 2023-12-22. Review status: criteria provided, single submitter. Criteria: Ambry Variant Classification Scheme 2023. Collection method: clinical testing. Allele origin: germline.

Labcorp Genetics (formerly Invitae), Labcorp
Classification: Uncertain significance. Last evaluated: 2021-01-08. Review status: criteria provided, single submitter. Criteria: Invitae Variant Classification Sherloc (09022015). Collection method: clinical testing. Allele origin: germline.
Comment: This variant has not been reported in the literature in individuals with ATP6V0A4-related conditions. This sequence change replaces tryptophan with arginine at codon 810 of the ATP6V0A4 protein (p.Trp810Arg). The tryptophan residue is moderately conserved and there is a moderate physicochemical difference between tryptophan and arginine. This variant is not present in population databases (ExAC no frequency). Algorithms developed to predict the effect of missense changes on protein structure and function are either unavailable or do not agree on the potential impact of this missense change (SIFT: "Deleterious"; PolyPhen-2: "Probably Damaging"; Align-GVGD: "Class C0"). In summary, the available evidence is currently insufficient to determine the role of this variant in disease. Therefore, it has been classified as a Variant of Uncertain Significance.

NM_020632.3(ATP6V0A4):c.2428T>C (p.Trp810Arg)

Gene: ATP6V0A4 (ATPase H+ transporting V0 subunit a4; minus strand). Cytogenetic location: 7q34.
Variant type: single nucleotide variant.
Coding change: c.2428T>C on transcript NM_020632.3 (MANE Select); coding-DNA position 2428, T replaced by C.
Protein change: p.Trp810Arg; replaces tryptophan 810 with arginine.
Molecular consequence: missense variant.
Genome position (GRCh38, 1-based): chr7:138,709,625, A>G on the plus strand (T>C on the coding strand, the complement: ATP6V0A4 is on the minus strand). VCF-style: chr7-138709625-A-G. GRCh37 (hg19) VCF-style: chr7-138394370-A-G.
Other names: c.2428T>C (NM_020632.2); c.2428T>C, p.Trp810Arg (NM_130840.3, NM_130841.3); short protein forms W810R.
Identifiers: ClinVar variation 1514721 (VCV001514721.9), dbSNP rs1803630661, ClinGen allele CA369374657.
Genomic context (GRCh38, chr7:138,709,625, plus strand): 5'-CCACAGCCCACTCCCTTTCCCAACACCACATTGAGCTTCCAGGGGACAACCATCCTTACC[A>G]GTGCAGTCGCAGGGCGTGCAGGAAAGCAGAGAGGCCCTCCATGATCAGAAGGATGGCTAC-3'
Protein context (NP_065683.2, residues 800-820): SAFLHALRLH[Trp810Arg]VEFQNKFYVG